The following is an entry in ClinVar:

NM_001122769.3(LCA5):c.1062C>G (p.Tyr354Ter)

Gene: LCA5 (lebercilin LCA5; minus strand). Cytogenetic location: 6q14.1.
Variant type: single nucleotide variant.
Coding change: c.1062C>G on transcript NM_001122769.3 (MANE Select); coding-DNA position 1062, C replaced by G.
Protein change: p.Tyr354Ter; replaces tyrosine 354 with a stop codon.
Molecular consequence: nonsense.
Genome position (GRCh38, 1-based): chr6:79,491,624, G>C on the plus strand (C>G on the coding strand, the complement: LCA5 is on the minus strand). VCF-style: chr6-79491624-G-C. GRCh37 (hg19) VCF-style: chr6-80201341-G-C.
Other names: c.1062C>G, p.Tyr354Ter (NM_181714.4); short protein forms Y354*.
Identifiers: ClinVar variation 287456 (VCV000287456.15), dbSNP rs183261547, ClinGen allele CA10605770.

ClinVar aggregate classification (germline): Pathogenic. Review status: criteria provided, multiple submitters, no conflicts (2 of 4 stars). 3 submissions from 3 submitters: Pathogenic (3). Last evaluated 2025-10-22.

Conditions:
Leber congenital amaurosis 5 (LCA5). Also called: Amaurosis congenita of Leber, type 5. Identifiers: Orphanet 65, MedGen C1858301, MONDO:0011473, OMIM 604537.

Allele frequency attached by ClinVar (database versions not stated): TOPMed 0.00001.
gnomAD v4.1: 1 of 1,612,908 alleles (0.000062%); highest among the groups gnomAD compares: Non-Finnish European, 0.000085%; no homozygotes.

Submissions (3):

Labcorp Genetics (formerly Invitae), Labcorp
Classification: Pathogenic. Last evaluated: 2025-10-22. Review status: criteria provided, single submitter. Criteria: Invitae Variant Classification Sherloc (09022015). Collection method: clinical testing. Allele origin: germline.
Comment: This sequence change creates a premature translational stop signal (p.Tyr354*) in the LCA5 gene. It is expected to result in an absent or disrupted protein product. Loss-of-function variants in LCA5 are known to be pathogenic (PMID: 17546029, 23946133). This variant is not present in population databases (gnomAD no frequency). This premature translational stop signal has been observed in individual(s) with autosomal recessive Leber congenital amaurosis (PMID: 24474277). ClinVar contains an entry for this variant (Variation ID: 287456). For these reasons, this variant has been classified as Pathogenic.

Baylor Genetics
Classification: Pathogenic for Leber congenital amaurosis 5. Last evaluated: 2023-01-04. Review status: criteria provided, single submitter. Criteria: ACMG Guidelines, 2015. Collection method: clinical testing. Allele origin: unknown.

Eurofins Ntd Llc (ga)
Classification: Pathogenic. Last evaluated: 2016-04-07. Review status: criteria provided, single submitter. Criteria: EGL Classification Definitions 2015. Collection method: clinical testing. Allele origin: germline. Observed: 1 variant allele, 1 heterozygote.

Literature cited by the submitters: PubMed 17546029 (cited by Labcorp Genetics (formerly Invitae), Labcorp); PubMed 23946133 (cited by Labcorp Genetics (formerly Invitae), Labcorp); PubMed 24474277 (cited by Labcorp Genetics (formerly Invitae), Labcorp).